The following is an entry in ClinVar:

NM_015040.4(PIKFYVE):c.4714A>G (p.Ser1572Gly)

Gene: PIKFYVE (phosphoinositide kinase, FYVE-type zinc finger containing; plus strand). Cytogenetic location: 2q34.
Variant type: single nucleotide variant.
Coding change: c.4714A>G on transcript NM_015040.4 (MANE Select); coding-DNA position 4714, A replaced by G.
Protein change: p.Ser1572Gly; replaces serine 1572 with glycine.
Molecular consequence: missense variant.
Genome position (GRCh38, 1-based): chr2:208,339,459, A>G. VCF-style: chr2-208339459-A-G. GRCh37 (hg19) VCF-style: chr2-209204183-A-G.
Other names: short protein forms S1572G.
Identifiers: ClinVar variation 4696441 (VCV004696441.1).

ClinVar aggregate classification (germline): Uncertain significance (1 of 4 stars; one submission).

Submission:

Labcorp Genetics (formerly Invitae), Labcorp
Classification: Uncertain significance. Last evaluated: 2025-09-12. Review status: criteria provided, single submitter. Criteria: Invitae Variant Classification Sherloc (09022015). Collection method: clinical testing. Allele origin: germline.
Comment: This sequence change replaces serine, which is neutral and polar, with glycine, which is neutral and non-polar, at codon 1572 of the PIKFYVE protein (p.Ser1572Gly). This variant is present in population databases (rs778623035, gnomAD 0.006%). This variant has not been reported in the literature in individuals affected with PIKFYVE-related conditions. An algorithm developed to predict the effect of missense changes on protein structure and function outputs the following: PolyPhen-2: "Benign". The glycine amino acid residue is found in multiple mammalian species, which suggests that this missense change does not adversely affect protein function. In summary, the available evidence is currently insufficient to determine the role of this variant in disease. Therefore, it has been classified as a Variant of Uncertain Significance.